The following is an entry in ClinVar:

NM_005334.3(HCFC1):c.3874C>A (p.Pro1292Thr)

Gene: HCFC1 (host cell factor C1; minus strand). Cytogenetic location: Xq28.
Variant type: single nucleotide variant.
Coding change: c.3874C>A on transcript NM_005334.3 (MANE Select); coding-DNA position 3874, C replaced by A.
Protein change: p.Pro1292Thr; replaces proline 1292 with threonine.
Molecular consequence: missense variant.
Genome position (GRCh38, 1-based): chrX:153,954,525, G>T on the plus strand (C>A on the coding strand, the complement: HCFC1 is on the minus strand). VCF-style: chrX-153954525-G-T. GRCh37 (hg19) VCF-style: chrX-153219976-G-T.
Other names: c.3874C>A, p.Pro1292Thr (NM_001410705.1, NM_001440843.1, NM_001440844.1 and 5 more transcripts); c.3676C>A, p.Pro1226Thr (NM_001440850.1, NM_001440851.1); short protein forms P1292T, P1226T.
Identifiers: ClinVar variation 4795885 (VCV004795885.1).
Genomic context (GRCh38, chrX:153,954,525, plus strand): 5'-TGCCTGCATTCGAGGTAGTGGCGGTGTTGGTGGTGCCTGTCTCGTGGGTCTCACATGGTG[G>T]GTTGGAGCAGACTTGGGTCACGGTGGCCGAGGGGCACAGCAGTGCCTCCAGGGCTGTCAC-3'
Protein context (NP_005325.2, residues 1282-1302): SATVTQVCSN[Pro1292Thr]PCETHETGTT

ClinVar aggregate classification (germline): Likely benign (1 of 4 stars; one submission).

Conditions:
Methylmalonic acidemia with homocystinuria, type cblX (MAHCX). Also called: INTELLECTUAL DEVELOPMENTAL DISORDER, X-LINKED 3. Identifiers: Orphanet 369962, MedGen C0796208, MONDO:0010657, OMIM 309541.

Submission:

Centre for Medical Genetics,  Mumbai
Classification: Likely benign for Methylmalonic acidemia with homocystinuria, type cblX. Last evaluated: 2026-02-16. Review status: criteria provided, single submitter. Criteria: ACMG Guidelines, 2015. Collection method: provider interpretation. Allele origin: germline. Inheritance: X-linked recessive inheritance. Affected: no. Observed: 1 homozygote.
Comment: The variant satisfies PM2 criteria; extremely low frequency in gnomAD population databases. The variant satisfies PP2 criteria; missense variant in a gene with low rate of benign missense mutations and for which missense mutation is a common mechanism of a disease. However, the variant satisfies BS2 criteria.

Literature cited by the submitters: PubMed 1870093.